The following is an entry in ClinVar:

ClinVar aggregate classification (germline): Pathogenic (1 of 4 stars; one submission).

Submission:

Labcorp Genetics (formerly Invitae), Labcorp
Classification: Pathogenic. Last evaluated: 2022-02-17. Review status: criteria provided, single submitter. Criteria: Invitae Variant Classification Sherloc (09022015). Collection method: clinical testing. Allele origin: germline.
Comment: For these reasons, this variant has been classified as Pathogenic. ClinVar contains an entry for this variant (Variation ID: 962718). This variant has not been reported in the literature in individuals affected with TRMU-related conditions. This variant is not present in population databases (gnomAD no frequency). This sequence change creates a premature translational stop signal (p.Ala320Hisfs*7) in the TRMU gene. It is expected to result in an absent or disrupted protein product. Loss-of-function variants in TRMU are known to be pathogenic (PMID: 19732863, 23625533).

Literature cited by the submitters: PubMed 19732863; PubMed 23625533.

NM_018006.5(TRMU):c.958del (p.Ala320fs)

Gene: TRMU (tRNA mitochondrial 2-thiouridylase; plus strand). Cytogenetic location: 22q13.31.
Variant type: Deletion.
Coding change: c.958del on transcript NM_018006.5 (MANE Select); coding-DNA position 958, one base deleted (G; older notation c.958delG).
Protein change: p.Ala320fs; shifts the reading frame from alanine 320.
Molecular consequence: frameshift variant. On other transcripts: non-coding transcript variant (2).
Genome position (GRCh38, 1-based): chr22:46,355,528, G deleted. VCF-style (leftmost placement, unchanged base first): chr22-46355527-AG-A. GRCh37 (hg19) VCF-style: chr22-46751424-AG-A.
Other names: c.616del, p.Ala206fs (NM_001282782.2); c.538del, p.Ala180fs (NM_001282783.2, NM_001282784.2); c.958del, p.Ala320fs (NM_001282785.2); short protein forms A180fs, A320fs, A206fs.
Identifiers: ClinVar variation 962718 (VCV000962718.7), dbSNP rs2078575287, ClinGen allele CA1139667161.